The following is an entry in ClinVar:

ClinVar aggregate classification (germline): Uncertain significance. Review status: criteria provided, multiple submitters, no conflicts (2 of 4 stars). 2 submissions from 2 submitters: Uncertain significance (2). Last evaluated 2024-09-22.

Conditions:
Developmental and epileptic encephalopathy, 64. Also called: EPILEPTIC ENCEPHALOPATHY, EARLY INFANTILE, 64. Identifiers: MedGen C4693899, MONDO:0033373, OMIM 618004.

Allele frequency attached by ClinVar (database versions not stated): gnomAD exomes below 0.00001.
gnomAD v4.1: 6 of 1,614,224 alleles (0.00037%); highest among the groups gnomAD compares: Middle Eastern, 0.049%; no homozygotes.

Submissions (2):

Genomic Medicine Center of Excellence, King Faisal Specialist Hospital and Research Centre
Classification: Uncertain significance for Developmental and epileptic encephalopathy, 64. Last evaluated: 2024-09-22. Review status: criteria provided, single submitter. Criteria: ACMG Guidelines, 2015. Collection method: clinical testing. Allele origin: germline.

Baylor Genetics
Classification: Uncertain significance for Developmental and epileptic encephalopathy, 64. Last evaluated: 2020-04-14. Review status: criteria provided, single submitter. Criteria: ACMG Guidelines, 2015. Collection method: clinical testing. Allele origin: unknown. Affected: yes.
Comment: This variant was determined to be of uncertain significance according to ACMG Guidelines, 2015 [PMID:25741868].

NM_015178.3(RHOBTB2):c.56T>C (p.Val19Ala)

Gene: RHOBTB2 (Rho related BTB domain containing 2; plus strand). Cytogenetic location: 8p21.3.
Variant type: single nucleotide variant.
Coding change: c.56T>C on transcript NM_015178.3 (MANE Select); coding-DNA position 56, T replaced by C.
Protein change: p.Val19Ala; replaces valine 19 with alanine.
Molecular consequence: missense variant.
Genome position (GRCh38, 1-based): chr8:23,004,490, T>C. VCF-style: chr8-23004490-T-C. GRCh37 (hg19) VCF-style: chr8-22862003-T-C.
Other names: c.122T>C, p.Val41Ala (NM_001160036.2); c.77T>C, p.Val26Ala (NM_001160037.2); c.56T>C, p.Val19Ala (NM_001374791.1); short protein forms V19A, V26A, V41A.
Identifiers: ClinVar variation 1027750 (VCV001027750.2), dbSNP rs1810887469, ClinGen allele CA370558137.